The following is an entry in ClinVar:

NM_000301.5(PLG):c.988A>G (p.Lys330Glu)

Gene: PLG (plasminogen; plus strand). Cytogenetic location: 6q26.
Variant type: single nucleotide variant.
Coding change: c.988A>G on transcript NM_000301.5 (MANE Select); coding-DNA position 988, A replaced by G.
Protein change: p.Lys330Glu; replaces lysine 330 with glutamic acid.
Molecular consequence: missense variant.
Genome position (GRCh38, 1-based): chr6:160,718,730, A>G. VCF-style: chr6-160718730-A-G. GRCh37 (hg19) VCF-style: chr6-161139762-A-G.
Other names: chr6:161139762A>G; p.Lys330Glu; short protein forms K330E.
Identifiers: ClinVar variation 590291 (VCV000590291.20), dbSNP rs889957249, ClinGen allele CA151219801.

ClinVar aggregate classification (germline): Pathogenic. Review status: criteria provided, multiple submitters, no conflicts (2 of 4 stars). 9 submissions from 9 submitters: Pathogenic (7). 2 of the submissions do not count toward it. Last evaluated 2026-01-26.

Conditions:
Angioedema, hereditary, 4. Identifiers: MedGen C5543503, MONDO:0025712, OMIM 619360.
Plasminogen deficiency, type I. Also called: Type 1 plasminogen deficiency; Hypoplasminogenemia. Identifiers: Orphanet 722, MedGen C1968804, MONDO:0009009, OMIM 217090.
PLG-related disorder. Also called: PLG-related condition.
Hereditary angioneurotic edema (HAE). Also called: Angioedemas, Hereditary; Hereditary Angioedema; C1 esterase inhibitor deficiency. Identifiers: Orphanet 91378, MedGen C0019243, MONDO:0019623.

Allele frequency attached by ClinVar (database versions not stated): gnomAD exomes below 0.00001; gnomAD 0.00001.
gnomAD v4.1: 6 of 1,613,862 alleles (0.00037%); highest among the groups gnomAD compares: Non-Finnish European, 0.00042%; no homozygotes.

Submissions (9):

Labcorp Genetics (formerly Invitae), Labcorp
Classification: Pathogenic. Last evaluated: 2026-01-26. Review status: criteria provided, single submitter. Criteria: Invitae Variant Classification Sherloc (09022015). Collection method: clinical testing. Allele origin: germline.
Comment: This sequence change replaces lysine, which is basic and polar, with glutamic acid, which is acidic and polar, at codon 330 of the PLG protein (p.Lys330Glu). This variant is present in population databases (no rsID available, gnomAD 0.002%). This missense change has been observed in individual(s) with autosomal dominant hereditary angioedema (PMID: 28795768, 29548426). It has also been observed to segregate with disease in related individuals. This variant is also known as c.1100A>G (p.Lys311Glu). ClinVar contains an entry for this variant (Variation ID: 590291). Invitae Evidence Modeling of protein sequence and biophysical properties (such as structural, functional, and spatial information, amino acid conservation, physicochemical variation, residue mobility, and thermodynamic stability) indicates that this missense variant is not expected to disrupt PLG protein function with a negative predictive value of 80%. For these reasons, this variant has been classified as Pathogenic.

Mayo Clinic Laboratories, Mayo Clinic
Classification: Pathogenic. Last evaluated: 2025-06-09. Review status: criteria provided, single submitter. Criteria: ACMG Guidelines, 2015. Collection method: clinical testing. Allele origin: germline. Observed: 2 variant alleles.
Comment: BP4, PP1_strong, PM1_supporting, PM2_supporting, PM3_supporting, PS3, PS4_moderate

Blueprint Genetics
Classification: Pathogenic for PLG-related disorders. Last evaluated: 2024-09-20. Review status: criteria provided, single submitter. Criteria: ACMG Guidelines, 2015. Collection method: clinical testing. Allele origin: germline. Affected: yes. Observed: 5 variant alleles.

Fulgent Genetics
Classification: Pathogenic for Plasminogen deficiency, type I; Angioedema, hereditary, 4. Last evaluated: 2024-01-29. Review status: criteria provided, single submitter. Criteria: ACMG Guidelines, 2015. Collection method: clinical testing. Allele origin: germline.

PreventionGenetics, part of Exact Sciences
Classification: Pathogenic for PLG-related condition. Last evaluated: 2023-04-30. Review status: criteria provided, single submitter. Criteria: ACMG Guidelines, 2015. Collection method: clinical testing. Allele origin: germline.
Comment: The PLG c.988A>G variant is predicted to result in the amino acid substitution p.Lys330Glu. This variant, also known as K330E, has been reported in many individuals with hereditary angioedema with normal C1 inhibitor (HAEnCI) (Bork K et al 2017. PubMed ID: 28795768; Dewald et al 2018. PubMed ID: 29548426; Belbézier A et al 2018. PubMed ID: 29952006; Yakushiji H et al 2018. PubMed ID: 29987869; Bork K et al 2020. PubMed ID: 32065705; Parsopoulou F et al 2020. PubMed ID: 32181895). This variant was observed to segregate with disease in at least a few families while showing incomplete penetrance. Functional studies revealed that this variant leads to altered PLG glycosylation and increased sensitivity to plasminogen activators (Dewald et al 2018. PubMed ID: 29548426; Parsopoulou F et al 2020. PubMed ID: 32181895) This variant is reported in 0.0016% of alleles in individuals of European (Non-Finnish) descent in gnomAD. This variant is interpreted as pathogenic.

Institute of Medical Genetics and Applied Genomics, University Hospital Tübingen
Classification: Pathogenic for Angioedema, hereditary, 4. Last evaluated: 2022-12-15. Review status: criteria provided, single submitter. Criteria: ACMG Guidelines, 2015. Collection method: clinical testing. Allele origin: germline. Inheritance: Autosomal dominant inheritance. Affected: yes.

Department of Pathology and Laboratory Medicine, Sinai Health System
Classification: Pathogenic for Plasminogen deficiency, type I; Angioedema, hereditary, 4. Last evaluated: 2022-11-24. Review status: criteria provided, single submitter. Criteria: ACMG Guidelines, 2015. Collection method: research. Allele origin: germline.

OMIM
Classification: Pathogenic for ANGIOEDEMA, HEREDITARY, 4. Last evaluated: 2025-01-16. Review status: no assertion criteria provided. Collection method: literature only. Allele origin: germline. Not counted in ClinVar's aggregate classification.

ITMI
Classification: Pathogenic for Hereditary angioneurotic edema. Last evaluated: 2018-08-06. Review status: no assertion criteria provided. Collection method: research. Allele origin: germline. Affected: yes. Observed: 1 heterozygote. Not counted in ClinVar's aggregate classification.

Literature cited by the submitters: PubMed 28795768 (cited by 3 submitters); PubMed 29548426 (cited by 3 submitters); PubMed 29952006 (cited by Mayo Clinic Laboratories, Mayo Clinic and OMIM); PubMed 29987869 (cited by Mayo Clinic Laboratories, Mayo Clinic and OMIM); PubMed 30009523 (cited by Mayo Clinic Laboratories, Mayo Clinic); PubMed 30809376 (cited by Mayo Clinic Laboratories, Mayo Clinic); PubMed 32065705 (cited by Mayo Clinic Laboratories, Mayo Clinic); PubMed 32066472 (cited by Mayo Clinic Laboratories, Mayo Clinic); PubMed 32181895 (cited by Mayo Clinic Laboratories, Mayo Clinic); PubMed 33799813 (cited by Mayo Clinic Laboratories, Mayo Clinic and OMIM); PubMed 35100351 (cited by Mayo Clinic Laboratories, Mayo Clinic and OMIM); PubMed 36418094 (cited by Mayo Clinic Laboratories, Mayo Clinic); PubMed 36685169 (cited by Mayo Clinic Laboratories, Mayo Clinic); PubMed 36928504 (cited by Mayo Clinic Laboratories, Mayo Clinic); PubMed 37343921 (cited by Mayo Clinic Laboratories, Mayo Clinic); PubMed 38555427 (cited by Mayo Clinic Laboratories, Mayo Clinic).